The following is an entry in ClinVar:

ClinVar aggregate classification (germline): Uncertain significance (1 of 4 stars; one submission).

Submission:

GeneDx
Classification: Uncertain significance. Last evaluated: 2022-07-29. Review status: criteria provided, single submitter. Criteria: GeneDx Variant Classification Process June 2021. Collection method: clinical testing. Allele origin: germline. Affected: yes.
Comment: Not observed at significant frequency in large population cohorts (gnomAD); In silico analysis supports that this missense variant has a deleterious effect on protein structure/function; Has not been previously published as pathogenic or benign to our knowledge

NM_006035.4(CDC42BPB):c.2489A>T (p.Asp830Val)

Gene: CDC42BPB (CDC42 binding protein kinase beta; minus strand). Cytogenetic location: 14q32.32.
Variant type: single nucleotide variant.
Coding change: c.2489A>T on transcript NM_006035.4 (MANE Select); coding-DNA position 2489, A replaced by T.
Protein change: p.Asp830Val; replaces aspartic acid 830 with valine.
Molecular consequence: missense variant.
Genome position (GRCh38, 1-based): chr14:102,966,370, T>A on the plus strand (A>T on the coding strand, the complement: CDC42BPB is on the minus strand). VCF-style: chr14-102966370-T-A. GRCh37 (hg19) VCF-style: chr14-103432707-T-A.
Other names: c.2489A>T, p.Asp830Val (NM_001411054.1); short protein forms D830V.
Identifiers: ClinVar variation 2412830 (VCV002412830.3), dbSNP rs2542853844, ClinGen allele CA391084182.